The following is an entry in ClinVar:

NM_001370259.2(MEN1):c.791T>C (p.Leu264Pro)

Gene: MEN1 (menin 1; minus strand). Cytogenetic location: 11q13.1.
Variant type: single nucleotide variant.
Coding change: c.791T>C on transcript NM_001370259.2 (MANE Select); coding-DNA position 791, T replaced by C.
Protein change: p.Leu264Pro; replaces leucine 264 with proline.
Molecular consequence: missense variant.
Genome position (GRCh38, 1-based): chr11:64,807,212, A>G on the plus strand (T>C on the coding strand, the complement: MEN1 is on the minus strand). VCF-style: chr11-64807212-A-G. GRCh37 (hg19) VCF-style: chr11-64574684-A-G.
Other names: c.806T>C, p.Leu269Pro (NM_000244.4, NM_130800.3, NM_130801.3 and 3 more transcripts); c.791T>C, p.Leu264Pro (NM_001370251.2, NM_001370260.2, NM_001370261.2 and 1 more transcripts); c.686T>C, p.Leu229Pro (NM_001370262.2, NM_001370263.2); c.806T>C (NM_000244.3); short protein forms L269P, L264P, L229P.
Identifiers: ClinVar variation 941953 (VCV000941953.12), dbSNP rs1941794175, ClinGen allele CA381183983.
Genomic context (GRCh38, chr11:64,807,212, plus strand): 5'-GCAGCCTGGCCACTTCCCTCTACTGACCTTTCCAGATGTCCCAGGTCATAGAGCAGCCAG[A>G]GCAGCTTCTAGGAGCCGAAGGAGAGAGTTATGAGCCACGGAACAGGGAGGAGAACGGGTC-3'
Protein context (NP_001357188.2, residues 254-274): LELLQLQQKL[Leu264Pro]WLLYDLGHLE

ClinVar aggregate classification (germline): Pathogenic/Likely pathogenic. Review status: criteria provided, multiple submitters, no conflicts (2 of 4 stars). 4 submissions from 4 submitters: Pathogenic (2); Likely pathogenic (2). Last evaluated 2024-07-02.

Conditions:
MEN1-related disorder. Also called: MEN1-related condition.
Multiple endocrine neoplasia, type 1 (MEN1). Also called: MEA I; MEN I; WERMER SYNDROME; Endocrine adenomatosis multiple; MEN 1. Identifiers: Orphanet 652, MedGen C0025267, MeSH D018761, MONDO:0007540, OMIM 131100.

Submissions (4):

3billion
Classification: Pathogenic for Multiple endocrine neoplasia, type 1. Last evaluated: 2024-07-02. Review status: criteria provided, single submitter. Criteria: ACMG Guidelines, 2015. Collection method: clinical testing. Allele origin: germline. Affected: yes.
Comment: The variant is not observed in the gnomAD v4.0.0 dataset. Predicted Consequence/Location: Missense variant In silico tool predictions suggest damaging effect of the variant on gene or gene product [REVEL: 0.93 (>=0.6, sensitivity 0.68 and specificity 0.92); 3Cnet: 1.00 (>=0.6, sensitivity 0.72 and precision 0.9)]. The same nucleotide change resulting in the same amino acid change has been previously reported as pathogenic/likely pathogenic with strong evidence (ClinVar ID: VCV000941953 /PMID: 9888389). The variant has been reported to co-segregate with the disease in at least 7 similarly affected relatives/individuals in at least two unrelated families (PMID: 9888389). Therefore, this variant is classified as Pathogenic according to the recommendation of ACMG/AMP guideline.

Division of Hepatobiliary and Pancreatic Surgery, Department of Surgery, Yonsei University College of Medicine
Classification: Likely pathogenic for Multiple endocrine neoplasia, type 1. Last evaluated: 2024-05-01. Review status: criteria provided, single submitter. Criteria: ACMG Guidelines, 2015. Collection method: clinical testing. Allele origin: germline. Affected: yes. Observed: 1 variant allele.

Labcorp Genetics (formerly Invitae), Labcorp
Classification: Pathogenic for Multiple endocrine neoplasia, type 1. Last evaluated: 2019-08-22. Review status: criteria provided, single submitter. Criteria: Invitae Variant Classification Sherloc (09022015). Collection method: clinical testing. Allele origin: germline.
Comment: For these reasons, this variant has been classified as Pathogenic. This variant has been reported to affect MEN1 protein function (PMID: 21819486). This variant has been observed to segregate with multiple endocrine neoplasia type 1 syndrome in a family (PMID: 9888389). This variant is also known as c.901T>C in the literature. This variant is not present in population databases (ExAC no frequency). This sequence change replaces leucine with proline at codon 264 of the MEN1 protein (p.Leu264Pro). The leucine residue is highly conserved and there is a moderate physicochemical difference between leucine and proline.

Blueprint Genetics
Classification: Likely pathogenic for MEN1-related disorders. Last evaluated: 2018-07-24. Review status: criteria provided, single submitter. Criteria: ACMG Guidelines, 2015. Collection method: clinical testing. Allele origin: germline. Affected: yes. Observed: 1 variant allele.

Literature cited by the submitters: PubMed 9888389 (cited by 3billion and Labcorp Genetics (formerly Invitae), Labcorp); PubMed 21819486 (cited by Labcorp Genetics (formerly Invitae), Labcorp).